The following is an entry in ClinVar:

NM_001128840.3(CACNA1D):c.6365T>A (p.Leu2122His)

Gene: CACNA1D (calcium voltage-gated channel subunit alpha1 D; plus strand). Cytogenetic location: 3p21.1.
Variant type: single nucleotide variant.
Coding change: c.6365T>A on transcript NM_001128840.3 (MANE Select); coding-DNA position 6365, T replaced by A.
Protein change: p.Leu2122His; replaces leucine 2122 with histidine.
Molecular consequence: missense variant.
Genome position (GRCh38, 1-based): chr3:53,811,285, T>A. VCF-style: chr3-53811285-T-A. GRCh37 (hg19) VCF-style: chr3-53845312-T-A.
Other names: c.6425T>A, p.Leu2142His (NM_000720.4); c.6293T>A, p.Leu2098His (NM_001128839.3); c.6425T>A (NM_000720.2); short protein forms L2122H, L2142H, L2098H.
Identifiers: ClinVar variation 1916316 (VCV001916316.6), dbSNP rs755450141, ClinGen allele CA2455436.

ClinVar aggregate classification (germline): Uncertain significance. Review status: criteria provided, multiple submitters, no conflicts (2 of 4 stars). 2 submissions from 2 submitters: Uncertain significance (2). Last evaluated 2025-08-11.

Conditions:
Inborn genetic diseases. Identifiers: MedGen C0950123, MeSH D030342.

Allele frequency attached by ClinVar (database versions not stated): gnomAD 0.00001; gnomAD exomes 0.00001; ExAC 0.00002; TOPMed 0.00003.
gnomAD v4.1: 13 of 1,613,668 alleles (0.00081%); highest among the groups gnomAD compares: Non-Finnish European, 0.00017%; no homozygotes.

Submissions (2):

Labcorp Genetics (formerly Invitae), Labcorp
Classification: Uncertain significance. Last evaluated: 2025-08-11. Review status: criteria provided, single submitter. Criteria: Invitae Variant Classification Sherloc (09022015). Collection method: clinical testing. Allele origin: germline.
Comment: This sequence change replaces leucine, which is neutral and non-polar, with histidine, which is basic and polar, at codon 2142 of the CACNA1D protein (p.Leu2142His). This variant is present in population databases (rs755450141, gnomAD 0.06%). This variant has not been reported in the literature in individuals affected with CACNA1D-related conditions. ClinVar contains an entry for this variant (Variation ID: 1916316). An algorithm developed to predict the effect of missense changes on protein structure and function (PolyPhen-2) suggests that this variant is likely to be tolerated. In summary, the available evidence is currently insufficient to determine the role of this variant in disease. Therefore, it has been classified as a Variant of Uncertain Significance.

Ambry Genetics
Classification: Uncertain significance for Inborn genetic diseases. Last evaluated: 2024-12-25. Review status: criteria provided, single submitter. Criteria: Ambry Variant Classification Scheme 2023. Collection method: clinical testing. Allele origin: germline.